The following is an entry in ClinVar:

ClinVar aggregate classification (germline): Likely benign. Review status: criteria provided, multiple submitters, no conflicts (2 of 4 stars). 2 submissions from 2 submitters: Likely benign (2). Last evaluated 2025-12-26.

Allele frequency attached by ClinVar (database versions not stated): TOPMed 0.00001; gnomAD 0.00001; gnomAD exomes 0.00008.
gnomAD v4.1: 118 of 1,605,522 alleles (0.0073%); highest among the groups gnomAD compares: Non-Finnish European, 0.01%; no homozygotes.

Submissions (2):

Labcorp Genetics (formerly Invitae), Labcorp
Classification: Likely benign. Last evaluated: 2025-12-26. Review status: criteria provided, single submitter. Criteria: Invitae Variant Classification Sherloc (09022015). Collection method: clinical testing. Allele origin: germline.

Women's Health and Genetics/Laboratory Corporation of America, LabCorp
Classification: Likely benign. Last evaluated: 2024-07-30. Review status: criteria provided, single submitter. Criteria: LabCorp Variant Classification Summary - May 2015. Collection method: clinical testing. Allele origin: germline.
Comment: Variant summary: PROP1 c.109+14C>T alters a non-conserved nucleotide located at a position not widely known to affect splicing. Consensus agreement among computation tools predict no significant impact on normal splicing. However, these predictions have yet to be confirmed by functional studies. The variant allele was found at a frequency of 1.6e-05 in 250708 control chromosomes. The available data on variant occurrences in the general population are insufficient to allow any conclusion about variant significance. To our knowledge, no occurrence of c.109+14C>T in individuals affected with &phenotype& and no experimental evidence demonstrating its impact on protein function have been reported. ClinVar contains an entry for this variant (Variation ID: 2908021). Based on the evidence outlined above, the variant was classified as likely benign.

NM_006261.5(PROP1):c.109+14C>T

Gene: PROP1 (PROP paired-like homeobox 1; minus strand). Cytogenetic location: 5q35.3.
Variant type: single nucleotide variant.
Coding change: c.109+14C>T on transcript NM_006261.5 (MANE Select); 14 bases into the intron after coding-DNA position 109, C replaced by T.
Molecular consequence: intron variant.
Genome position (GRCh38, 1-based): chr5:177,995,811, G>A on the plus strand (C>T on the coding strand, the complement: PROP1 is on the minus strand). VCF-style: chr5-177995811-G-A. GRCh37 (hg19) VCF-style: chr5-177422812-G-A.
Identifiers: ClinVar variation 2908021 (VCV002908021.4), dbSNP rs1184808473, ClinGen allele CA564507511.